The following is an entry in ClinVar:

ClinVar aggregate classification (germline): Uncertain significance (1 of 4 stars; one submission).

Conditions:
Inborn genetic diseases. Identifiers: MedGen C0950123, MeSH D030342.

Submission:

Ambry Genetics
Classification: Uncertain significance for Inborn genetic diseases. Last evaluated: 2025-03-06. Review status: criteria provided, single submitter. Criteria: Ambry Variant Classification Scheme 2023. Collection method: clinical testing. Allele origin: germline.
Comment: The p.H780R variant (also known as c.2339A>G), located in coding exon 26 of the FANCA gene, results from an A to G substitution at nucleotide position 2339. The histidine at codon 780 is replaced by arginine, an amino acid with highly similar properties. This amino acid position is conserved. In addition, the in silico prediction for this alteration is inconclusive. Based on the available evidence, the clinical significance of this variant remains unclear.

NM_000135.4(FANCA):c.2339A>G (p.His780Arg)

Gene: FANCA (FA complementation group A; minus strand). Cytogenetic location: 16q24.3.
Variant type: single nucleotide variant.
Coding change: c.2339A>G on transcript NM_000135.4 (MANE Select); coding-DNA position 2339, A replaced by G.
Protein change: p.His780Arg; replaces histidine 780 with arginine.
Molecular consequence: missense variant.
Genome position (GRCh38, 1-based): chr16:89,770,002, T>C on the plus strand (A>G on the coding strand, the complement: FANCA is on the minus strand). VCF-style: chr16-89770002-T-C. GRCh37 (hg19) VCF-style: chr16-89836410-T-C.
Other names: c.2339A>G, p.His780Arg (NM_001286167.3); short protein forms H780R.
Identifiers: ClinVar variation 3848289 (VCV003848289.1).